The following is an entry in ClinVar:

NM_001042492.3(NF1):c.1409A>G (p.Glu470Gly)

Gene: NF1 (neurofibromin 1; plus strand). Cytogenetic location: 17q11.2.
Variant type: single nucleotide variant.
Coding change: c.1409A>G on transcript NM_001042492.3 (MANE Select); coding-DNA position 1409, A replaced by G.
Protein change: p.Glu470Gly; replaces glutamic acid 470 with glycine.
Molecular consequence: missense variant.
Genome position (GRCh38, 1-based): chr17:31,214,467, A>G. VCF-style: chr17-31214467-A-G. GRCh37 (hg19) VCF-style: chr17-29541485-A-G.
Other names: c.1409A>G, p.Glu470Gly (NM_000267.4, NM_001128147.3); short protein forms E470G.
Identifiers: ClinVar variation 2081647 (VCV002081647.4), dbSNP rs2544829111, ClinGen allele CA399001444.

ClinVar aggregate classification (germline): Uncertain significance (1 of 4 stars; one submission).

Conditions:
Neurofibromatosis, type 1 (NF1). Also called: Neurofibromatosis, type I; VON RECKLINGHAUSEN DISEASE; NEUROFIBROMATOSIS, TYPE I, SOMATIC; Peripheral type neurofibromatosis. Identifiers: Orphanet 636, MedGen C0027831, MONDO:0018975, OMIM 162200. Disease mechanism: loss of function.

Submission:

Labcorp Genetics (formerly Invitae), Labcorp
Classification: Uncertain significance for Neurofibromatosis, type 1. Last evaluated: 2022-01-13. Review status: criteria provided, single submitter. Criteria: Invitae Variant Classification Sherloc (09022015). Collection method: clinical testing. Allele origin: germline.
Comment: This sequence change replaces glutamic acid, which is acidic and polar, with glycine, which is neutral and non-polar, at codon 470 of the NF1 protein (p.Glu470Gly). This variant is not present in population databases (gnomAD no frequency). This variant has not been reported in the literature in individuals affected with NF1-related conditions. Advanced modeling of protein sequence and biophysical properties (such as structural, functional, and spatial information, amino acid conservation, physicochemical variation, residue mobility, and thermodynamic stability) performed at Invitae indicates that this missense variant is not expected to disrupt NF1 protein function. In summary, the available evidence is currently insufficient to determine the role of this variant in disease. Therefore, it has been classified as a Variant of Uncertain Significance.